The following is an entry in ClinVar:

NM_001270974.2(HYDIN):c.4101G>A (p.Val1367=)

Genes: HYDIN (HYDIN axonemal central pair apparatus protein; minus strand), LOC121587554 (CDK7 strongly-dependent group 2 enhancer GRCh37_chr16:71020999-71022198; plus strand). Cytogenetic location: 16q22.2.
Variant type: single nucleotide variant.
Coding change: c.4101G>A on transcript NM_001270974.2 (MANE Select); coding-DNA position 4101, G replaced by A.
Protein change: p.Val1367=; no amino-acid change (valine 1367 retained).
Molecular consequence: synonymous variant.
Genome position (GRCh38, 1-based): chr16:70,988,017, C>T on the plus strand (G>A on the coding strand, the complement: HYDIN is on the minus strand). VCF-style: chr16-70988017-C-T. GRCh37 (hg19) VCF-style: chr16-71021920-C-T.
Identifiers: ClinVar variation 4681732 (VCV004681732.5).

ClinVar aggregate classification (germline): Likely benign (1 of 4 stars; one submission).

Submission:

CeGaT Center for Human Genetics Tuebingen
Classification: Likely benign. Last evaluated: 2025-12-01. Review status: criteria provided, single submitter. Criteria: CeGaT Center For Human Genetics Tuebingen Variant Classification Criteria Version 2. Collection method: clinical testing. Allele origin: germline. Affected: yes. Observed: 1 variant allele.
Comment: HYDIN: PM2:Supporting, BP4, BP7